The following is an entry in ClinVar:

Conditions:
Severe myoclonic epilepsy in infancy (DRVT). Also called: Epileptic encephalopathy, early infantile, 6 (Dravet syndrome); Dravet syndrome; SEVERE MYOCLONIC EPILEPSY OF INFANCY; DEVELOPMENTAL AND EPILEPTIC ENCEPHALOPATHY 6A; Severe Myoclonic Epilepsy in Infancy (SMEI). Identifiers: Orphanet 33069, MedGen C0751122, MONDO:0100135, OMIM 607208.

Submission:

Channelopathy-Associated Epilepsy Research Center
No classification provided (evidence only). Condition: Severe myoclonic epilepsy in infancy. Review status: no classification provided. Collection method: literature only. Allele origin: not applicable. Functional consequence: Severe decrease in peak current, Normal fast inactivation, Severe increase in persistent current, Severe depolarizing shift of voltage dependence of fast inactivation, Acceleration of recovery from fast inactivation, Normal rate of slow inactivation, Decrease of decay in current amplitude in use dependence, Overall gain-of-function effect with respect to biophysical channel activity.
ClinVar note: "not provided" was previously submitted as the classification for the variant. However, the classification appeared to be based only on an observation of functional data so it was converted to no classification on 2025-07-30.

Literature cited by the submitters: PubMed 29986598.

NM_001165963.4(SCN1A):c.5009T>G (p.Leu1670Trp)

Genes: SCN1A (sodium voltage-gated channel alpha subunit 1; minus strand), LOC102724058 (uncharacterized LOC102724058; plus strand). Cytogenetic location: 2q24.3.
Variant type: single nucleotide variant.
Coding change: c.5009T>G on transcript NM_001165963.4 (MANE Select); coding-DNA position 5009, T replaced by G.
Protein change: p.Leu1670Trp; replaces leucine 1670 with tryptophan.
Molecular consequence: missense variant. On other transcripts: non-coding transcript variant (1).
Genome position (GRCh38, 1-based): chr2:165,992,266, A>C on the plus strand (T>G on the coding strand, the complement: SCN1A is on the minus strand). VCF-style: chr2-165992266-A-C. GRCh37 (hg19) VCF-style: chr2-166848776-A-C.
Other names: c.4925T>G, p.Leu1642Trp (NM_001165964.3, NM_001353957.2, NM_001353958.2); c.5009T>G, p.Leu1670Trp (NM_001202435.3, NM_001353948.2); c.4976T>G, p.Leu1659Trp (NM_001353949.2, NM_001353950.2, NM_001353951.2 and 2 more transcripts); c.4973T>G, p.Leu1658Trp (NM_001353954.2, NM_001353955.2); c.4922T>G, p.Leu1641Trp (NM_001353960.2); c.2567T>G, p.Leu856Trp (NM_001353961.2); short protein forms L1641W, L1642W, L1658W, L1659W, L1670W, L856W.
Identifiers: ClinVar variation 3067156 (VCV003067156.2), dbSNP rs1553520411, ClinGen allele CA349069735.